The following is an entry in ClinVar:

NM_015909.4(NBAS):c.3896C>T (p.Ala1299Val)

Gene: NBAS (NBAS subunit of NRZ tethering complex; minus strand). Cytogenetic location: 2p24.3.
Variant type: single nucleotide variant.
Coding change: c.3896C>T on transcript NM_015909.4 (MANE Select); coding-DNA position 3896, C replaced by T.
Protein change: p.Ala1299Val; replaces alanine 1299 with valine.
Molecular consequence: missense variant. On other transcripts: non-coding transcript variant (1).
Genome position (GRCh38, 1-based): chr2:15,356,338, G>A on the plus strand (C>T on the coding strand, the complement: NBAS is on the minus strand). VCF-style: chr2-15356338-G-A. GRCh37 (hg19) VCF-style: chr2-15496462-G-A.
Other names: short protein forms A1299V.
Identifiers: ClinVar variation 2985327 (VCV002985327.3), dbSNP rs1673618655, ClinGen allele CA345892072.

ClinVar aggregate classification (germline): Uncertain significance (1 of 4 stars; one submission).

Submission:

Labcorp Genetics (formerly Invitae), Labcorp
Classification: Uncertain significance. Last evaluated: 2023-12-23. Review status: criteria provided, single submitter. Criteria: Invitae Variant Classification Sherloc (09022015). Collection method: clinical testing. Allele origin: germline.
Comment: This sequence change replaces alanine, which is neutral and non-polar, with valine, which is neutral and non-polar, at codon 1299 of the NBAS protein (p.Ala1299Val). This variant is not present in population databases (gnomAD no frequency). This variant has not been reported in the literature in individuals affected with NBAS-related conditions. Advanced modeling of protein sequence and biophysical properties (such as structural, functional, and spatial information, amino acid conservation, physicochemical variation, residue mobility, and thermodynamic stability) performed at Invitae indicates that this missense variant is not expected to disrupt NBAS protein function with a negative predictive value of 95%. In summary, the available evidence is currently insufficient to determine the role of this variant in disease. Therefore, it has been classified as a Variant of Uncertain Significance.